The following is an entry in ClinVar:

ClinVar aggregate classification (germline): Likely benign. Review status: reviewed by expert panel (3 of 4 stars). 3 submissions from 3 submitters: Likely benign (1). 2 of the submissions do not count toward it. Last evaluated 2017-06-29.

Conditions:
Hereditary breast ovarian cancer syndrome. Also called: Hereditary breast and ovarian cancer; Hereditary breast and ovarian cancer syndrome; Breast and ovarian cancer; Hereditary breast and ovarian cancer syndrome (HBOC); Hereditary breast and/or ovarian cancer syndrome; BRCA1- and BRCA2-Associated Hereditary Breast and Ovarian Cancer. Identifiers: Orphanet 145, MedGen C0677776, MeSH D061325, MONDO:0003582. Disease mechanism: loss of function.
Hereditary cancer-predisposing syndrome. Also called: Hereditary Cancer Syndrome; Neoplastic Syndromes, Hereditary; Tumor predisposition; Hereditary neoplastic syndrome. Identifiers: Orphanet 140162, MedGen C0027672, MeSH D009386, MONDO:0015356.
Breast-ovarian cancer, familial, susceptibility to, 2 (BROVCA2). Also called: BRCA2 Hereditary Breast and Ovarian Cancer. Identifiers: Orphanet 145, MedGen C2675520, MONDO:0012933, OMIM 612555. Disease mechanism: loss of function.

Allele frequency attached by ClinVar (database versions not stated): gnomAD exomes below 0.00001; gnomAD 0.00001; TOPMed 0.00001.
gnomAD v4.1: 3 of 1,613,466 alleles (0.00019%); highest among the groups gnomAD compares: South Asian, 0.0011%; no homozygotes.

Submissions (3):

Evidence-based Network for the Interpretation of Germline Mutant Alleles (ENIGMA)
Classification: Likely benign for Breast-ovarian cancer, familial, susceptibility to, 2. Last evaluated: 2017-06-29. Review status: reviewed by expert panel. Criteria: ENIGMA BRCA1/2 Classification Criteria (2017-06-29). Collection method: curation. Allele origin: germline.
Comment: Synonymous substitution variant, with low bioinformatic likelihood to result in a splicing aberration (Splicing prior probability 0.02).

Labcorp Genetics (formerly Invitae), Labcorp
Classification: Likely benign for Hereditary breast ovarian cancer syndrome. Last evaluated: 2024-06-24. Review status: criteria provided, single submitter. Criteria: Invitae Variant Classification Sherloc (09022015). Collection method: clinical testing. Allele origin: germline. Not counted in ClinVar's aggregate classification.

Ambry Genetics
Classification: Likely benign for Hereditary cancer-predisposing syndrome. Last evaluated: 2014-10-09. Review status: criteria provided, single submitter. Criteria: Ambry Variant Classification Scheme 2023. Collection method: clinical testing. Allele origin: germline. Not counted in ClinVar's aggregate classification.

NM_000059.4(BRCA2):c.9108A>G (p.Gln3036=)

Gene: BRCA2 (BRCA2 DNA repair associated; plus strand). Cytogenetic location: 13q13.1.
Variant type: single nucleotide variant.
Coding change: c.9108A>G on transcript NM_000059.4 (MANE Select); coding-DNA position 9108, A replaced by G.
Protein change: p.Gln3036=; no amino-acid change (glutamine 3036 retained).
Molecular consequence: synonymous variant.
Genome position (GRCh38, 1-based): chr13:32,379,904, A>G. VCF-style: chr13-32379904-A-G. GRCh37 (hg19) VCF-style: chr13-32954041-A-G.
Identifiers: ClinVar variation 186555 (VCV000186555.9), dbSNP rs786203037, ClinGen allele CA025984.